The following is an entry in ClinVar:

NM_001286577.2(C2CD3):c.3082G>T (p.Asp1028Tyr)

Gene: C2CD3 (C2 domain containing 3 centriole elongation regulator; minus strand). Cytogenetic location: 11q13.4.
Variant type: single nucleotide variant.
Coding change: c.3082G>T on transcript NM_001286577.2 (MANE Select); coding-DNA position 3082, G replaced by T.
Protein change: p.Asp1028Tyr; replaces aspartic acid 1028 with tyrosine.
Molecular consequence: missense variant.
Genome position (GRCh38, 1-based): chr11:74,095,306, C>A on the plus strand (G>T on the coding strand, the complement: C2CD3 is on the minus strand). VCF-style: chr11-74095306-C-A. GRCh37 (hg19) VCF-style: chr11-73806351-C-A.
Other names: c.3082G>T, p.Asp1028Tyr (NM_015531.6); short protein forms D1028Y.
Identifiers: ClinVar variation 389647 (VCV000389647.2), dbSNP rs1057523497, ClinGen allele CA16606332.
Genomic context (GRCh38, chr11:74,095,306, plus strand): 5'-GTCCTTTCAGCACACTGGATTGAGAGTGTTGAACTGGAAAGTAGTACTGGACATAACAAT[C>A]TGCTTCTCCCCAGACTGTTGCCTGAAGAGGGGCTAGCCCTTTAACCATCTCTATATGGAT-3'
Protein context (NP_001273506.1, residues 1018-1038): PLQATVWGEA[Asp1028Tyr]CYVQYYFPVQ

ClinVar aggregate classification (germline): Uncertain significance (1 of 4 stars; one submission).

Submission:

GeneDx
Classification: Uncertain significance. Last evaluated: 2016-10-11. Review status: criteria provided, single submitter. Criteria: GeneDx Variant Classification (06012015). Collection method: clinical testing. Allele origin: germline. Affected: yes.
Comment: The D1028Y variant in the C2CD3 gene has not been reported previously as a pathogenic variant, nor as a benign variant, to our knowledge. The D1028Y variant was not observed in approximately 6500 individuals of European and African American ancestry in the NHLBI Exome Sequencing Project, indicating it is not a common benign variant in these populations. The D1028Y variant is a non-conservative amino acid substitution, which is likely to impact secondary protein structure as these residues differ in polarity, charge, size and/or other properties. This substitution occurs at a position that is conserved across species. In silico analysis predicts this variant is probably damaging to the protein structure/function. We interpret D1028Y as a variant of uncertain significance.